The following is an entry in ClinVar:

NM_002858.4(ABCD3):c.592A>T (p.Asn198Tyr)

Gene: ABCD3 (ATP binding cassette subfamily D member 3; plus strand). Cytogenetic location: 1p21.3.
Variant type: single nucleotide variant.
Coding change: c.592A>T on transcript NM_002858.4 (MANE Select); coding-DNA position 592, A replaced by T.
Protein change: p.Asn198Tyr; replaces asparagine 198 with tyrosine.
Molecular consequence: missense variant.
Genome position (GRCh38, 1-based): chr1:94,475,702, A>T. VCF-style: chr1-94475702-A-T. GRCh37 (hg19) VCF-style: chr1-94941258-A-T.
Other names: c.592A>T, p.Asn198Tyr (NM_001122674.2); short protein forms N198Y.
Identifiers: ClinVar variation 4706116 (VCV004706116.1).

ClinVar aggregate classification (germline): Uncertain significance (1 of 4 stars; one submission).

gnomAD v4.1: 12 of 1,607,518 alleles (0.00075%); highest among the groups gnomAD compares: Non-Finnish European, 0.001%; no homozygotes.

Submission:

Labcorp Genetics (formerly Invitae), Labcorp
Classification: Uncertain significance. Last evaluated: 2025-09-29. Review status: criteria provided, single submitter. Criteria: Invitae Variant Classification Sherloc (09022015). Collection method: clinical testing. Allele origin: germline.
Comment: This sequence change replaces asparagine, which is neutral and polar, with tyrosine, which is neutral and polar, at codon 198 of the ABCD3 protein (p.Asn198Tyr). This variant is not present in population databases (gnomAD no frequency). This variant has not been reported in the literature in individuals affected with ABCD3-related conditions. An algorithm developed to predict the effect of missense changes on protein structure and function (PolyPhen-2) suggests that this variant is likely to be disruptive. In summary, the available evidence is currently insufficient to determine the role of this variant in disease. Therefore, it has been classified as a Variant of Uncertain Significance.